The following is an entry in ClinVar:

ClinVar aggregate classification (germline): Conflicting classifications of pathogenicity. Review status: criteria provided, conflicting classifications (1 of 4 stars). 3 submissions from 3 submitters: Uncertain significance (1); Likely benign (2). Last evaluated 2025-01-01.

Allele frequency attached by ClinVar (database versions not stated): 1000 Genomes Project 30x 0.00016; 1000 Genomes Project 0.00020; gnomAD 0.00046; TOPMed 0.00050; ExAC 0.00051; ESP Exome Variant Server 0.00069; gnomAD exomes 0.00105.
gnomAD v4.1: 1,612 of 1,614,074 alleles (0.1%); highest among the groups gnomAD compares: Non-Finnish European, 0.13%; 1 homozygote.

Submissions (3):

CeGaT Center for Human Genetics Tuebingen
Classification: Likely benign. Last evaluated: 2025-01-01. Review status: criteria provided, single submitter. Criteria: CeGaT Center For Human Genetics Tuebingen Variant Classification Criteria Version 2. Collection method: clinical testing. Allele origin: germline. Affected: yes. Observed: 1 variant allele.
Comment: ZFHX3: BP4, BS1

Blueprint Genetics
Classification: Likely benign. Last evaluated: 2024-11-20. Review status: criteria provided, single submitter. Criteria: ACMG Guidelines, 2015. Collection method: clinical testing. Allele origin: germline.

Ambry Genetics
Classification: Uncertain significance. Last evaluated: 2023-12-17. Review status: criteria provided, single submitter. Criteria: Ambry Variant Classification Scheme 2023. Collection method: clinical testing. Allele origin: germline.

NM_006885.4(ZFHX3):c.6376G>A (p.Ala2126Thr)

Genes: ZFHX3 (zinc finger homeobox 3; minus strand), ZFHX3-AS1 (ZFHX3 antisense RNA 1; plus strand). Cytogenetic location: 16q22.2.
Variant type: single nucleotide variant.
Coding change: c.6376G>A on transcript NM_006885.4 (MANE Select); coding-DNA position 6376, G replaced by A.
Protein change: p.Ala2126Thr; replaces alanine 2126 with threonine.
Molecular consequence: missense variant.
Genome position (GRCh38, 1-based): chr16:72,796,306, C>T on the plus strand (G>A on the coding strand, the complement: ZFHX3 is on the minus strand). VCF-style: chr16-72796306-C-T. GRCh37 (hg19) VCF-style: chr16-72830205-C-T.
Other names: c.3634G>A, p.Ala1212Thr (NM_001164766.2); c.6376G>A, p.Ala2126Thr (NM_001386735.1); short protein forms A1212T, A2126T.
Identifiers: ClinVar variation 2365339 (VCV002365339.16), dbSNP rs147679383, ClinGen allele CA8163399.
Genomic context (GRCh38, chr16:72,796,306, plus strand): 5'-TGTTCTGCTGCTGGAGCAGGGTTGGATTGAGCTGATGCTGGTAGAGTTGGGCCAGGTCCG[C>T]AGGCAGAGGCTCCACAGGTCCCAGCTGCGGGGGTAGCTGAGCCGGCAAGGTCTGCAGCGG-3'
Protein context (NP_008816.3, residues 2116-2136): PQLGPVEPLP[Ala2126Thr]DLAQLYQHQL